The following is an entry in ClinVar:

ClinVar aggregate classification (germline): Uncertain significance (1 of 4 stars; one submission).

Conditions:
Hereditary cancer-predisposing syndrome. Also called: Neoplastic Syndromes, Hereditary; Tumor predisposition; Hereditary neoplastic syndrome; Hereditary Cancer Syndrome. Identifiers: Orphanet 140162, MedGen C0027672, MeSH D009386, MONDO:0015356.

Submission:

Ambry Genetics
Classification: Uncertain significance for Hereditary cancer-predisposing syndrome. Last evaluated: 2026-07-07. Review status: criteria provided, single submitter. Criteria: Ambry Variant Classification Scheme 2023. Collection method: clinical testing. Allele origin: germline.
Comment: The p.K90E variant (also known as c.268A>G), located in coding exon 4 of the MAX gene, results from an A to G substitution at nucleotide position 268. The lysine at codon 90 is replaced by glutamic acid, an amino acid with similar properties. This amino acid position is conserved. In addition, this alteration is predicted to be tolerated by in silico analysis. Based on the available evidence, the clinical significance of this variant remains unclear.

NM_002382.5(MAX):c.172-6167A>G

Gene: MAX (MYC associated transcriptional regulator X; minus strand). Cytogenetic location: 14q23.3.
Variant type: single nucleotide variant.
Coding change: c.172-6167A>G on transcript NM_002382.5 (MANE Select); 6167 bases into the intron before coding-DNA position 172, A replaced by G.
Molecular consequence: intron variant. On other transcripts: missense variant (3), 3 prime UTR variant (1), non-coding transcript variant (4).
Genome position (GRCh38, 1-based): chr14:65,084,203, T>C on the plus strand (A>G on the coding strand, the complement: MAX is on the minus strand). VCF-style: chr14-65084203-T-C. GRCh37 (hg19) VCF-style: chr14-65550921-T-C.
Other names: c.241A>G, p.Lys81Glu (NM_001271068.2, NM_001407113.1); c.*42A>G (NM_001407114.1); c.268A>G, p.Lys90Glu (NM_145114.3); c.144+9505A>G (NM_001271069.2); c.171+9505A>G (NM_197957.4); c.-196-6167A>G (NM_001407112.1, NM_001407111.1); c.-103-6167A>G (NM_001407106.1, NM_001407107.1, NM_001320415.2 and 1 more transcripts); c.145-6167A>G (NM_001407095.1, NM_001407110.1, NM_001407102.1 and 6 more transcripts); and 2 more; short protein forms K90E, K81E.
Identifiers: ClinVar variation 5023972 (VCV005023972.1).
Genomic context (GRCh38, chr14:65,084,203, plus strand): 5'-GTAAGACATTTGTGTAAGGGGTCAAAACAATCATTTTTTAAATCTTGCATTCTTTTTTCT[T>C]GTGCACTTGGTAGCTTGAAATGAAGGTGTGGCATTTCTGCATCAAACTTTGACGATGAAG-3'